The following is an entry in ClinVar:

NM_032119.4(ADGRV1):c.9550G>A (p.Val3184Ile)

Gene: ADGRV1 (adhesion G protein-coupled receptor V1; plus strand). Cytogenetic location: 5q14.3.
Variant type: single nucleotide variant.
Coding change: c.9550G>A on transcript NM_032119.4 (MANE Select); coding-DNA position 9550, G replaced by A.
Protein change: p.Val3184Ile; replaces valine 3184 with isoleucine.
Molecular consequence: missense variant. On other transcripts: non-coding transcript variant (1).
Genome position (GRCh38, 1-based): chr5:90,720,150, G>A. VCF-style: chr5-90720150-G-A. GRCh37 (hg19) VCF-style: chr5-90015967-G-A.
Other names: short protein forms V3184I.
Identifiers: ClinVar variation 1940453 (VCV001940453.3), dbSNP rs1309877018, ClinGen allele CA360399785.
Genomic context (GRCh38, chr5:90,720,150, plus strand): 5'-GATGAGTATTTTGTTTGCACCTTGTTTAATCCAACTGGAGGTGCTAGACTAGGGGTGCAT[G>A]TTCAAACCCTGATAACAGTTTTGCAAAACCAGGCCCCTTTGGGGCTATTCAGTATCTCTG-3'
Protein context (NP_115495.3, residues 3174-3194): PTGGARLGVH[Val3184Ile]QTLITVLQNQ

ClinVar aggregate classification (germline): Uncertain significance. Review status: criteria provided, multiple submitters, no conflicts (2 of 4 stars). 2 submissions from 2 submitters: Uncertain significance (2). Last evaluated 2022-10-17.

Allele frequency attached by ClinVar (database versions not stated): gnomAD 0.00001; TOPMed 0.00001.
gnomAD v4.1: 9 of 1,612,472 alleles (0.00056%); highest among the groups gnomAD compares: Non-Finnish European, 0.00076%; no homozygotes.

Submissions (2):

Labcorp Genetics (formerly Invitae), Labcorp
Classification: Uncertain significance. Last evaluated: 2022-10-17. Review status: criteria provided, single submitter. Criteria: Invitae Variant Classification Sherloc (09022015). Collection method: clinical testing. Allele origin: germline.
Comment: This sequence change replaces valine, which is neutral and non-polar, with isoleucine, which is neutral and non-polar, at codon 3184 of the ADGRV1 protein (p.Val3184Ile). This variant is present in population databases (no rsID available, gnomAD 0.003%). This variant has not been reported in the literature in individuals affected with ADGRV1-related conditions. Advanced modeling of protein sequence and biophysical properties (such as structural, functional, and spatial information, amino acid conservation, physicochemical variation, residue mobility, and thermodynamic stability) performed at Invitae indicates that this missense variant is not expected to disrupt ADGRV1 protein function. In summary, the available evidence is currently insufficient to determine the role of this variant in disease. Therefore, it has been classified as a Variant of Uncertain Significance.

Blueprint Genetics
Classification: Uncertain significance. Last evaluated: 2021-12-17. Review status: criteria provided, single submitter. Criteria: ACMG Guidelines, 2015. Collection method: clinical testing. Allele origin: germline.